The following is an entry in ClinVar:

NM_000237.3(LPL):c.916A>G (p.Arg306Gly)

Gene: LPL (lipoprotein lipase; plus strand). Cytogenetic location: 8p21.3.
Variant type: single nucleotide variant.
Coding change: c.916A>G on transcript NM_000237.3 (MANE Select); coding-DNA position 916, A replaced by G.
Protein change: p.Arg306Gly; replaces arginine 306 with glycine.
Molecular consequence: missense variant.
Genome position (GRCh38, 1-based): chr8:19,955,981, A>G. VCF-style: chr8-19955981-A-G. GRCh37 (hg19) VCF-style: chr8-19813492-A-G.
Other names: short protein forms R306G.
Identifiers: ClinVar variation 1766028 (VCV001766028.2), dbSNP rs2069981331, ClinGen allele CA370469238.

ClinVar aggregate classification (germline): Uncertain significance (1 of 4 stars; one submission).

Conditions:
Cardiovascular phenotype. Identifiers: MedGen CN230736.

Allele frequency attached by ClinVar (database versions not stated): gnomAD exomes below 0.00001; gnomAD 0.00001; TOPMed 0.00001.
gnomAD v4.1: 5 of 1,614,090 alleles (0.00031%); highest among the groups gnomAD compares: African/African-American, 0.0013%; no homozygotes.

Submission:

Ambry Genetics
Classification: Uncertain significance for Cardiovascular phenotype. Last evaluated: 2022-08-03. Review status: criteria provided, single submitter. Criteria: Ambry Variant Classification Scheme 2023. Collection method: clinical testing. Allele origin: germline.
Comment: The p.R306G variant (also known as c.916A>G), located in coding exon 6 of the LPL gene, results from an A to G substitution at nucleotide position 916. The arginine at codon 306 is replaced by glycine, an amino acid with dissimilar properties. This amino acid position is conserved. In addition, the in silico prediction for this alteration is inconclusive. Since supporting evidence is limited at this time, the clinical significance of this alteration remains unclear.